The following is an entry in ClinVar:

NM_001371596.2(MFSD8):c.479C>T (p.Thr160Ile)

Gene: MFSD8 (major facilitator superfamily domain containing 8; minus strand). Cytogenetic location: 4q28.2.
Variant type: single nucleotide variant.
Coding change: c.479C>T on transcript NM_001371596.2 (MANE Select); coding-DNA position 479, C replaced by T.
Protein change: p.Thr160Ile; replaces threonine 160 with isoleucine.
Molecular consequence: missense variant. On other transcripts: intron variant (4).
Genome position (GRCh38, 1-based): chr4:127,942,119, G>A on the plus strand (C>T on the coding strand, the complement: MFSD8 is on the minus strand). VCF-style: chr4-127942119-G-A. GRCh37 (hg19) VCF-style: chr4-128863274-G-A.
Other names: c.479C>T, p.Thr160Ile (NM_001363520.3, NM_001371591.2, NM_001371592.2 and 2 more transcripts); c.344C>T, p.Thr115Ile (NM_001371590.2, NM_001371595.1); c.304+1633C>T (NM_001410765.1); c.439+1633C>T (NM_001363521.3, NM_001410766.1, NM_001371593.2); short protein forms T115I, T160I.
Identifiers: ClinVar variation 930772 (VCV000930772.8), dbSNP rs1162750836, ClinGen allele CA358176358.

ClinVar aggregate classification (germline): Conflicting classifications of pathogenicity. Review status: criteria provided, conflicting classifications (1 of 4 stars). 3 submissions from 3 submitters: Likely pathogenic (1); Uncertain significance (2). Last evaluated 2025-01-30.

Conditions:
Neuronal ceroid lipofuscinosis 7 (CLN7). Also called: MFSD8-Related Neuronal Ceroid-Lipofuscinosis. Identifiers: Orphanet 168491, Orphanet 228366, MedGen C1838571, MONDO:0012588, OMIM 610951.

Allele frequency attached by ClinVar (database versions not stated): gnomAD exomes below 0.00001; TOPMed below 0.00001; gnomAD 0.00001.

Submissions (3):

GeneDx
Classification: Likely pathogenic. Last evaluated: 2025-01-30. Review status: criteria provided, single submitter. Criteria: GeneDx Variant Classification Process June 2021. Collection method: clinical testing. Allele origin: germline. Affected: yes.
Comment: Not observed at significant frequency in large population cohorts (gnomAD); In silico analysis supports that this missense variant has a deleterious effect on protein structure/function; This variant is associated with the following publications: (PMID: 36435927, 21990111)

Labcorp Genetics (formerly Invitae), Labcorp
Classification: Uncertain significance for Neuronal ceroid lipofuscinosis 7. Last evaluated: 2021-11-12. Review status: criteria provided, single submitter. Criteria: Invitae Variant Classification Sherloc (09022015). Collection method: clinical testing. Allele origin: germline.
Comment: This sequence change replaces threonine, which is neutral and polar, with isoleucine, which is neutral and non-polar, at codon 160 of the MFSD8 protein (p.Thr160Ile). This variant is not present in population databases (gnomAD no frequency). This missense change has been observed in individual(s) with late infantile neuronal ceroid lipofuscinosis (PMID: 21990111). ClinVar contains an entry for this variant (Variation ID: 930772). Algorithms developed to predict the effect of missense changes on protein structure and function are either unavailable or do not agree on the potential impact of this missense change (SIFT: "Deleterious"; PolyPhen-2: "Probably Damaging"; Align-GVGD: "Class C15"). In summary, the available evidence is currently insufficient to determine the role of this variant in disease. Therefore, it has been classified as a Variant of Uncertain Significance.

Centre for Mendelian Genomics, University Medical Centre Ljubljana
Classification: Uncertain significance for Neuronal ceroid lipofuscinosis 7. Last evaluated: 2019-11-27. Review status: criteria provided, single submitter. Criteria: ACMG Guidelines, 2015. Collection method: clinical testing. Allele origin: unknown. Affected: yes.
Comment: This variant was classified as: Uncertain significance. The available evidence on this variant's pathogenicity is insufficient or conflicting. The following ACMG criteria were applied in classifying this variant: PM2,PP3,PP5.

Literature cited by the submitters: PubMed 21990111 (cited by Labcorp Genetics (formerly Invitae), Labcorp).